The following is an entry in ClinVar:

ClinVar aggregate classification (germline): Pathogenic (1 of 4 stars; one submission).

Submission:

Labcorp Genetics (formerly Invitae), Labcorp
Classification: Pathogenic. Last evaluated: 2022-03-14. Review status: criteria provided, single submitter. Criteria: Invitae Variant Classification Sherloc (09022015). Collection method: clinical testing. Allele origin: germline.
Comment: This sequence change creates a premature translational stop signal (p.Cys34*) in the COL2A1 gene. It is expected to result in an absent or disrupted protein product. Loss-of-function variants in COL2A1 are known to be pathogenic (PMID: 20179744). This variant is not present in population databases (gnomAD no frequency). This variant has not been reported in the literature in individuals affected with COL2A1-related conditions. For these reasons, this variant has been classified as Pathogenic.

Literature cited by the submitters: PubMed 20179744.

NM_001844.5(COL2A1):c.102T>A (p.Cys34Ter)

Gene: COL2A1 (collagen type II alpha 1 chain; minus strand). Cytogenetic location: 12q13.11.
Variant type: single nucleotide variant.
Coding change: c.102T>A on transcript NM_001844.5 (MANE Select); coding-DNA position 102, T replaced by A.
Protein change: p.Cys34Ter; replaces cysteine 34 with a stop codon.
Molecular consequence: nonsense. On other transcripts: intron variant (1).
Genome position (GRCh38, 1-based): chr12:48,000,109, A>T on the plus strand (T>A on the coding strand, the complement: COL2A1 is on the minus strand). VCF-style: chr12-48000109-A-T. GRCh37 (hg19) VCF-style: chr12-48393892-A-T.
Other names: c.86-1678T>A (NM_033150.3); short protein forms C34*.
Identifiers: ClinVar variation 2111852 (VCV002111852.4), dbSNP rs2136637552, ClinGen allele CA384526775.